The following is an entry in ClinVar:

NM_001100913.3(PACS2):c.2335_2349del (p.Ala779_Asp783del)

Gene: PACS2 (phosphofurin acidic cluster sorting protein 2; plus strand). Cytogenetic location: 14q32.33.
Variant type: Deletion.
Coding change: c.2335_2349del on transcript NM_001100913.3 (MANE Select); coding-DNA positions 2335 to 2349, 15 bases deleted (GCCGAGAAGAAGGAC).
Protein change: p.Ala779_Asp783del.
Molecular consequence: inframe deletion.
Genome position (GRCh38, 1-based): chr14:105,392,698-105,392,712, GCCGAGAAGAAGGAC deleted; deleting any 15 consecutive bases within chr14:105,392,694-105,392,712 gives the same sequence; the c. name uses the placement nearest the transcript's 3' end. VCF-style (leftmost placement, unchanged base first): chr14-105392693-GGGACGCCGAGAAGAA-G. GRCh37 (hg19) VCF-style: chr14-105859030-GGGACGCCGAGAAGAA-G.
Other names: c.2290_2304del15 (NM_015197.3); c.2065_2079del, p.Ala689_Asp693del (NM_001243127.3); c.2290_2304del, p.Ala764_Asp768del (NM_015197.4).
Identifiers: ClinVar variation 1652732 (VCV001652732.10), dbSNP rs1654497416, ClinGen allele CA966971653.

ClinVar aggregate classification (germline): Conflicting classifications of pathogenicity. Review status: criteria provided, conflicting classifications (1 of 4 stars). 2 submissions from 2 submitters: Uncertain significance (1); Likely benign (1). Last evaluated 2024-12-03.

Conditions:
Inborn genetic diseases. Identifiers: MedGen C0950123, MeSH D030342.

Submissions (2):

Labcorp Genetics (formerly Invitae), Labcorp
Classification: Likely benign. Last evaluated: 2024-12-03. Review status: criteria provided, single submitter. Criteria: Invitae Variant Classification Sherloc (09022015). Collection method: clinical testing. Allele origin: germline.

Ambry Genetics
Classification: Uncertain significance for Inborn genetic diseases. Last evaluated: 2023-06-02. Review status: criteria provided, single submitter. Criteria: Ambry Variant Classification Scheme 2023. Collection method: clinical testing. Allele origin: germline.
Comment: The c.2290_2304del15 (p.A764_D768del) alteration is located in exon 1 (coding exon 1) of the PACS2 gene. This alteration consists of an in-frame deletion of 15 nucleotides between nucleotide positions c.2290 and c.2304, resulting in the deletion of <NA> residues. Based on insufficient or conflicting evidence, the clinical significance of this alteration remains unclear.